The following is an entry in ClinVar:

ClinVar aggregate classification (germline): Likely benign. Review status: criteria provided, multiple submitters, no conflicts (2 of 4 stars). 9 submissions from 9 submitters: Likely benign (8). 1 of the submissions does not count toward it. Last evaluated 2025-12-08.

Conditions:
RET-related disorder. Also called: RET-related condition; RET-related disease; RET-related disorders.
Hereditary cancer-predisposing syndrome. Also called: Tumor predisposition; Hereditary neoplastic syndrome; Hereditary Cancer Syndrome; Neoplastic Syndromes, Hereditary. Identifiers: Orphanet 140162, MedGen C0027672, MeSH D009386, MONDO:0015356.
Multiple endocrine neoplasia, type 2 (MEN2). Identifiers: Orphanet 653, MedGen C4048306, MONDO:0019003. Disease mechanism: gain of function.

Allele frequency attached by ClinVar (database versions not stated): ExAC 0.00002; gnomAD exomes 0.00002 and 0.00005; gnomAD 0.00001; TOPMed 0.00005.
gnomAD v4.1: 69 of 1,614,002 alleles (0.0043%); highest among the groups gnomAD compares: Non-Finnish European, 0.0055%; no homozygotes.

Submissions (9):

Labcorp Genetics (formerly Invitae), Labcorp
Classification: Likely benign for Multiple endocrine neoplasia, type 2. Last evaluated: 2025-12-08. Review status: criteria provided, single submitter. Criteria: Invitae Variant Classification Sherloc (09022015). Collection method: clinical testing. Allele origin: germline.

Quest Diagnostics Nichols Institute San Juan Capistrano
Classification: Likely benign. Last evaluated: 2025-03-13. Review status: criteria provided, single submitter. Criteria: Quest Diagnostics criteria. Collection method: clinical testing. Allele origin: unknown.

CeGaT Center for Human Genetics Tuebingen
Classification: Likely benign. Last evaluated: 2025-03-01. Review status: criteria provided, single submitter. Criteria: CeGaT Center For Human Genetics Tuebingen Variant Classification Criteria Version 2. Collection method: clinical testing. Allele origin: germline. Affected: yes. Observed: 1 variant allele.
Comment: RET: BP4, BP7

Women's Health and Genetics/Laboratory Corporation of America, LabCorp
Classification: Likely benign. Last evaluated: 2023-06-15. Review status: criteria provided, single submitter. Criteria: LabCorp Variant Classification Summary - May 2015. Collection method: clinical testing. Allele origin: germline.

Blueprint Genetics
Classification: Likely benign. Last evaluated: 2023-05-11. Review status: criteria provided, single submitter. Criteria: ACMG Guidelines, 2015. Collection method: clinical testing. Allele origin: germline.

Color Diagnostics, LLC DBA Color Health
Classification: Likely benign for Multiple endocrine neoplasia, type 2. Last evaluated: 2022-11-06. Review status: criteria provided, single submitter. Criteria: ACMG Guidelines, 2015. Collection method: clinical testing. Allele origin: germline.

Sema4
Classification: Likely benign for Hereditary cancer-predisposing syndrome. Last evaluated: 2021-10-14. Review status: criteria provided, single submitter. Criteria: Sema4 Curation Guidelines. Collection method: curation. Allele origin: germline.

Ambry Genetics
Classification: Likely benign for Hereditary cancer-predisposing syndrome. Last evaluated: 2017-10-20. Review status: criteria provided, single submitter. Criteria: Ambry Variant Classification Scheme 2023. Collection method: clinical testing. Allele origin: germline.

PreventionGenetics, part of Exact Sciences
Classification: Likely benign for RET-related condition. Last evaluated: 2019-05-29. Review status: no assertion criteria provided. Collection method: clinical testing. Allele origin: germline. Not counted in ClinVar's aggregate classification.
Comment: This variant is classified as likely benign based on ACMG/AMP sequence variant interpretation guidelines (Richards et al. 2015 PMID: 25741868, with internal and published modifications).

NM_020975.6(RET):c.1386G>A (p.Ser462=)

Gene: RET (ret proto-oncogene; plus strand). Cytogenetic location: 10q11.21.
Variant type: single nucleotide variant.
Coding change: c.1386G>A on transcript NM_020975.6 (MANE Select); coding-DNA position 1386, G replaced by A.
Protein change: p.Ser462=; no amino-acid change (serine 462 retained).
Molecular consequence: synonymous variant. On other transcripts: intron variant (15).
Genome position (GRCh38, 1-based): chr10:43,111,329, G>A. VCF-style: chr10-43111329-G-A. GRCh37 (hg19) VCF-style: chr10-43606777-G-A.
Other names: c.1386G>A, p.Ser462= (NM_000323.2, NM_001406743.1, NM_001406744.1 and 6 more transcripts); c.624G>A, p.Ser208= (NM_001355216.2); c.1257G>A, p.Ser419= (NM_001406761.1, NM_001406762.1, NM_001406764.1 and 1 more transcripts); c.1098G>A, p.Ser366= (NM_001406766.1, NM_001406767.1, NM_001406770.1); c.990G>A, p.Ser330= (NM_001406769.1, NM_001406772.1); c.948G>A, p.Ser316= (NM_001406771.1, NM_001406773.1); c.861G>A, p.Ser287= (NM_001406774.1); c.660G>A, p.Ser220= (NM_001406775.1, NM_001406776.1, NM_001406777.1 and 1 more transcripts); and 5 more.
Identifiers: ClinVar variation 136099 (VCV000136099.29), dbSNP rs587780807, ClinGen allele CA007560.